The following is an entry in ClinVar:

NM_001447.3(FAT2):c.1666A>C (p.Asn556His)

Gene: FAT2 (FAT atypical cadherin 2; minus strand). Cytogenetic location: 5q33.1.
Variant type: single nucleotide variant.
Coding change: c.1666A>C on transcript NM_001447.3 (MANE Select); coding-DNA position 1666, A replaced by C.
Protein change: p.Asn556His; replaces asparagine 556 with histidine.
Molecular consequence: missense variant.
Genome position (GRCh38, 1-based): chr5:151,567,266, T>G on the plus strand (A>C on the coding strand, the complement: FAT2 is on the minus strand). VCF-style: chr5-151567266-T-G. GRCh37 (hg19) VCF-style: chr5-150946827-T-G.
Other names: short protein forms N556H.
Identifiers: ClinVar variation 2071197 (VCV002071197.6), dbSNP rs200688818, ClinGen allele CA3522216.

ClinVar aggregate classification (germline): Conflicting classifications of pathogenicity. Review status: criteria provided, conflicting classifications (1 of 4 stars). 3 submissions from 3 submitters: Uncertain significance (2); Likely benign (1). Last evaluated 2026-07-01.

Allele frequency attached by ClinVar (database versions not stated): TOPMed 0.00026; gnomAD 0.00027; gnomAD exomes 0.00032; ExAC 0.00035; ESP Exome Variant Server 0.00046.
gnomAD v4.1: 506 of 1,614,030 alleles (0.031%); highest among the groups gnomAD compares: Non-Finnish European, 0.04%; 2 homozygotes.

Submissions (3):

CeGaT Center for Human Genetics Tuebingen
Classification: Likely benign. Last evaluated: 2026-07-01. Review status: criteria provided, single submitter. Criteria: CeGaT Center For Human Genetics Tuebingen Variant Classification Criteria Version 2. Collection method: clinical testing. Allele origin: germline. Affected: yes. Observed: 1 variant allele.
Comment: FAT2: PP2, BS2

Women's Health and Genetics/Laboratory Corporation of America, LabCorp
Classification: Uncertain significance. Last evaluated: 2026-04-17. Review status: criteria provided, single submitter. Criteria: LabCorp Variant Classification Summary - May 2015. Collection method: clinical testing. Allele origin: germline.
Comment: Variant summary: FAT2 c.1666A>C (p.Asn556His) results in a conservative amino acid change in the encoded protein sequence. Algorithms developed to predict the effect of missense changes on protein structure and function are either unavailable or do not agree on the potential impact of this missense change. The variant allele was found at a frequency of 0.00029 in 251202 control chromosomes. This frequency is not significantly higher than estimated for disease-causing variants in FAT2, allowing no conclusion about variant significance. To our knowledge, no occurrence of c.1666A>C in individuals affected with FAT2-related conditions and no experimental evidence demonstrating its impact on protein function have been reported. ClinVar contains an entry for this variant (Variation ID: 2071197). Based on the evidence outlined above, the variant was classified as uncertain significance.

Labcorp Genetics (formerly Invitae), Labcorp
Classification: Uncertain significance. Last evaluated: 2026-02-01. Review status: criteria provided, single submitter. Criteria: Invitae Variant Classification Sherloc (09022015). Collection method: clinical testing. Allele origin: germline.
Comment: This sequence change replaces asparagine, which is neutral and polar, with histidine, which is basic and polar, at codon 556 of the FAT2 protein (p.Asn556His). This variant is present in population databases (rs200688818, gnomAD 0.06%), and has an allele count higher than expected for a pathogenic variant. This variant has not been reported in the literature in individuals affected with FAT2-related conditions. ClinVar contains an entry for this variant (Variation ID: 2071197). Invitae Evidence Modeling of protein sequence and biophysical properties (such as structural, functional, and spatial information, amino acid conservation, physicochemical variation, residue mobility, and thermodynamic stability) indicates that this missense variant is not expected to disrupt FAT2 protein function with a negative predictive value of 80%. In summary, the available evidence is currently insufficient to determine the role of this variant in disease. Therefore, it has been classified as a Variant of Uncertain Significance.